The following is an entry in ClinVar:

ClinVar aggregate classification (germline): Likely benign. Review status: criteria provided, multiple submitters, no conflicts (2 of 4 stars). 3 submissions from 3 submitters: Likely benign (3). Last evaluated 2024-11-25.

Allele frequency attached by ClinVar (database versions not stated): ExAC 0.00034; gnomAD exomes 0.00035 and 0.00038; 1000 Genomes Project 0.00040; ESP Exome Variant Server 0.00046; TOPMed 0.00027; 1000 Genomes Project 30x 0.00031; gnomAD 0.00032.
gnomAD v4.1: 594 of 1,614,094 alleles (0.037%); highest among the groups gnomAD compares: East Asian, 0.16%; 2 homozygotes.

Submissions (3):

Blueprint Genetics
Classification: Likely benign. Last evaluated: 2024-11-25. Review status: criteria provided, single submitter. Criteria: ACMG Guidelines, 2015. Collection method: clinical testing. Allele origin: germline.

CeGaT Center for Human Genetics Tuebingen
Classification: Likely benign. Last evaluated: 2024-09-01. Review status: criteria provided, single submitter. Criteria: CeGaT Center For Human Genetics Tuebingen Variant Classification Criteria Version 2. Collection method: clinical testing. Allele origin: germline. Affected: yes. Observed: 2 variant alleles.
Comment: HERC2: BP4, BP7

Labcorp Genetics (formerly Invitae), Labcorp
Classification: Likely benign. Last evaluated: 2019-12-31. Review status: criteria provided, single submitter. Criteria: Invitae Variant Classification Sherloc (09022015). Collection method: clinical testing. Allele origin: germline.

NM_004667.6(HERC2):c.1770C>T (p.Asp590=)

Gene: HERC2 (HECT and RLD domain containing E3 ubiquitin protein ligase 2; minus strand). Cytogenetic location: 15q13.1.
Variant type: single nucleotide variant.
Coding change: c.1770C>T on transcript NM_004667.6 (MANE Select); coding-DNA position 1770, C replaced by T.
Protein change: p.Asp590=; no amino-acid change (aspartic acid 590 retained).
Molecular consequence: synonymous variant.
Genome position (GRCh38, 1-based): chr15:28,265,718, G>A on the plus strand (C>T on the coding strand, the complement: HERC2 is on the minus strand). VCF-style: chr15-28265718-G-A. GRCh37 (hg19) VCF-style: chr15-28510864-G-A.
Identifiers: ClinVar variation 721123 (VCV000721123.33), dbSNP rs141562067, ClinGen allele CA7443344.